The following is an entry in ClinVar:

NM_005188.4(CBL):c.1298del (p.Pro433fs)

Gene: CBL (Cbl proto-oncogene; plus strand). Cytogenetic location: 11q23.3.
Variant type: Deletion.
Coding change: c.1298del on transcript NM_005188.4 (MANE Select); coding-DNA position 1298, one base deleted (C; older notation c.1298delC).
Protein change: p.Pro433fs; shifts the reading frame from proline 433.
Molecular consequence: frameshift variant.
Genome position (GRCh38, 1-based): chr11:119,278,580, C deleted; the last of 2 consecutive C bases (chr11:119,278,579-119,278,580); deleting either gives the same sequence. VCF-style (leftmost placement, unchanged base first): chr11-119278578-TC-T. GRCh37 (hg19) VCF-style: chr11-119149288-TC-T.
Other names: short protein forms P433fs.
Identifiers: ClinVar variation 2506315 (VCV002506315.1), dbSNP rs2496941246, ClinGen allele CA2580615101.
Genomic context (GRCh38, chr11:119,278,578, plus strand): 5'-AGGTCAGGGCTGTCCTTTCTGCCGATGTGAAATTAAAGGTACTGAACCCATCGTGGTAGA[TC>T]CGTTTGATCCTAGAGGGAGTGGCAGCCTGTTGAGGCAAGGAGCAGAGGGAGCTCCCTCCC-3'

ClinVar aggregate classification (germline): Uncertain significance (1 of 4 stars; one submission).

Submission:

Women's Health and Genetics/Laboratory Corporation of America, LabCorp
Classification: Uncertain significance. Last evaluated: 2023-05-08. Review status: criteria provided, single submitter. Criteria: LabCorp Variant Classification Summary - May 2015. Collection method: clinical testing. Allele origin: germline.
Comment: Variant summary: CBL c.1298delC (p.Pro433ArgfsX11) results in a premature termination codon, predicted to cause a truncation of the encoded protein or absence of the protein due to nonsense mediated decay. The variant was absent in 251426 control chromosomes (gnomAD). The available data on variant occurrences in the general population are insufficient to allow any conclusion about variant significance. To our knowledge, no occurrence of c.1298delC in individuals affected with Noonan Syndrome And Related Conditions and no experimental evidence demonstrating its impact on protein function have been reported. No clinical diagnostic laboratories have submitted clinical-significance assessments for this variant to ClinVar after 2014. Based on the evidence outlined above, the variant was classified as uncertain significance.